The following is an entry in ClinVar:

ClinVar aggregate classification (germline): Uncertain significance (1 of 4 stars; one submission).

Conditions:
Cardiovascular phenotype. Identifiers: MedGen CN230736.

gnomAD v4.1: 22 of 1,437,214 alleles (0.0015%); highest among the groups gnomAD compares: Non-Finnish European, 0.002%; no homozygotes.

Submission:

Ambry Genetics
Classification: Uncertain significance for Cardiovascular phenotype. Last evaluated: 2025-02-06. Review status: criteria provided, single submitter. Criteria: Ambry Variant Classification Scheme 2023. Collection method: clinical testing. Allele origin: germline.
Comment: The p.A215S variant (also known as c.643G>T), located in coding exon 1 of the ALPK3 gene, results from a G to T substitution at nucleotide position 643. The alanine at codon 215 is replaced by serine, an amino acid with similar properties. This amino acid position is conserved. In addition, this alteration is predicted to be tolerated by in silico analysis. Based on the available evidence, the clinical significance of this variant remains unclear.

NM_020778.5(ALPK3):c.37G>T (p.Ala13Ser)

Gene: ALPK3 (alpha kinase 3; plus strand). Cytogenetic location: 15q25.3.
Variant type: single nucleotide variant.
Coding change: c.37G>T on transcript NM_020778.5 (MANE Select); coding-DNA position 37, G replaced by T.
Protein change: p.Ala13Ser; replaces alanine 13 with serine.
Molecular consequence: missense variant.
Genome position (GRCh38, 1-based): chr15:84,817,489, G>T. VCF-style: chr15-84817489-G-T. GRCh37 (hg19) VCF-style: chr15-85360720-G-T.
Other names: short protein forms A13S.
Identifiers: ClinVar variation 3859444 (VCV003859444.1).